The following is an entry in ClinVar:

NM_152703.5(SAMD9L):c.1126T>C (p.Ser376Pro)

Gene: SAMD9L (sterile alpha motif domain containing 9 like; minus strand). Cytogenetic location: 7q21.2.
Variant type: single nucleotide variant.
Coding change: c.1126T>C on transcript NM_152703.5 (MANE Select); coding-DNA position 1126, T replaced by C.
Protein change: p.Ser376Pro; replaces serine 376 with proline.
Molecular consequence: missense variant.
Genome position (GRCh38, 1-based): chr7:93,134,846, A>G on the plus strand (T>C on the coding strand, the complement: SAMD9L is on the minus strand). VCF-style: chr7-93134846-A-G. GRCh37 (hg19) VCF-style: chr7-92764159-A-G.
Other names: c.1126T>C, p.Ser376Pro (NM_001303496.3, NM_001303497.3, NM_001303498.3 and 5 more transcripts); c.1126T>C (NM_152703.2); short protein forms S376P.
Identifiers: ClinVar variation 3045614 (VCV003045614.3), dbSNP rs1489334161, ClinGen allele CA368198668.

ClinVar aggregate classification (germline): Uncertain significance. Review status: criteria provided, single submitter (1 of 4 stars). 2 submissions from 2 submitters: Uncertain significance (1). 1 of the submissions does not count toward it. Last evaluated 2024-11-18.

Conditions:
Inborn genetic diseases. Identifiers: MedGen C0950123, MeSH D030342.
SAMD9L-related disorder. Also called: SAMD9L-related disorders; SAMD9L-related condition.

Allele frequency attached by ClinVar (database versions not stated): gnomAD exomes below 0.00001.
gnomAD v4.1: 2 of 1,613,880 alleles (0.00012%); highest among the groups gnomAD compares: Admixed American, 0.0017%; no homozygotes.

Submissions (2):

Ambry Genetics
Classification: Uncertain significance for Inborn genetic diseases. Last evaluated: 2024-11-18. Review status: criteria provided, single submitter. Criteria: Ambry Variant Classification Scheme 2023. Collection method: clinical testing. Allele origin: germline.
Comment: The p.S376P variant (also known as c.1126T>C), located in coding exon 1 of the SAMD9L gene, results from a T to C substitution at nucleotide position 1126. The serine at codon 376 is replaced by proline, an amino acid with similar properties. This amino acid position is conserved. In addition, this alteration is predicted to be tolerated by in silico analysis. Based on the available evidence, the clinical significance of this variant remains unclear.

PreventionGenetics, part of Exact Sciences
Classification: Uncertain significance for SAMD9L-related condition. Last evaluated: 2024-01-24. Review status: no assertion criteria provided. Collection method: clinical testing. Allele origin: germline. Not counted in ClinVar's aggregate classification.
Comment: The SAMD9L c.1126T>C variant is predicted to result in the amino acid substitution p.Ser376Pro. To our knowledge, this variant has not been reported in the literature. This variant is reported in 0.0033% of alleles in individuals of South Asian descent in gnomAD. At this time, the clinical significance of this variant is uncertain due to the absence of conclusive functional and genetic evidence.